The following is an entry in ClinVar:

NM_170754.4(TNS2):c.3613G>A (p.Glu1205Lys)

Gene: TNS2 (tensin 2; plus strand). Cytogenetic location: 12q13.13.
Variant type: single nucleotide variant.
Coding change: c.3613G>A on transcript NM_170754.4 (MANE Select); coding-DNA position 3613, G replaced by A.
Protein change: p.Glu1205Lys; replaces glutamic acid 1205 with lysine.
Molecular consequence: missense variant.
Genome position (GRCh38, 1-based): chr12:53,062,191, G>A. VCF-style: chr12-53062191-G-A. GRCh37 (hg19) VCF-style: chr12-53455975-G-A.
Other names: c.3613G>A, p.Glu1205Lys (NM_001416202.1); c.3571G>A, p.Glu1191Lys (NM_001416203.1); c.3640G>A, p.Glu1214Lys (NM_001416204.1); c.3544G>A, p.Glu1182Lys (NM_015319.3); c.3241G>A, p.Glu1081Lys (NM_198316.2); short protein forms E1214K, E1182K, E1191K, E1205K, E1081K.
Identifiers: ClinVar variation 4738040 (VCV004738040.1).

ClinVar aggregate classification (germline): Uncertain significance (1 of 4 stars; one submission).

gnomAD v4.1: 56 of 1,613,974 alleles (0.0035%); highest among the groups gnomAD compares: Admixed American, 0.01%; no homozygotes.

Submission:

Labcorp Genetics (formerly Invitae), Labcorp
Classification: Uncertain significance. Last evaluated: 2025-06-12. Review status: criteria provided, single submitter. Criteria: Invitae Variant Classification Sherloc (09022015). Collection method: clinical testing. Allele origin: germline.
Comment: This sequence change replaces glutamic acid, which is acidic and polar, with lysine, which is basic and polar, at codon 1215 of the TNS2 protein (p.Glu1215Lys). This variant is present in population databases (rs777627446, gnomAD 0.003%). This variant has not been reported in the literature in individuals affected with TNS2-related conditions. An algorithm developed to predict the effect of missense changes on protein structure and function (PolyPhen-2) suggests that this variant is likely to be disruptive. In summary, the available evidence is currently insufficient to determine the role of this variant in disease. Therefore, it has been classified as a Variant of Uncertain Significance.